The following is an entry in ClinVar:

NM_000059.4(BRCA2):c.2618T>C (p.Ile873Thr)

Gene: BRCA2 (BRCA2 DNA repair associated; plus strand). Cytogenetic location: 13q13.1.
Variant type: single nucleotide variant.
Coding change: c.2618T>C on transcript NM_000059.4 (MANE Select); coding-DNA position 2618, T replaced by C.
Protein change: p.Ile873Thr; replaces isoleucine 873 with threonine.
Molecular consequence: missense variant. On other transcripts: non-coding transcript variant (1), intron variant (2).
Genome position (GRCh38, 1-based): chr13:32,336,973, T>C. VCF-style: chr13-32336973-T-C. GRCh37 (hg19) VCF-style: chr13-32911110-T-C.
Other names: c.2618T>C, p.Ile873Thr (NM_001406719.1, NM_001406720.1, NM_001432077.1); c.1909+3586T>C (NM_001406721.1); c.424+5943T>C (NM_001406722.1); short protein forms I873T.
Identifiers: ClinVar variation 3482003 (VCV003482003.1).

ClinVar aggregate classification (germline): Uncertain significance (1 of 4 stars; one submission).

Conditions:
Hereditary cancer-predisposing syndrome. Also called: Tumor predisposition; Neoplastic Syndromes, Hereditary; Hereditary Cancer Syndrome; Hereditary neoplastic syndrome. Identifiers: Orphanet 140162, MedGen C0027672, MeSH D009386, MONDO:0015356.

Submission:

Ambry Genetics
Classification: Uncertain significance for Hereditary cancer-predisposing syndrome. Last evaluated: 2024-06-27. Review status: criteria provided, single submitter. Criteria: Ambry Variant Classification Scheme 2023. Collection method: clinical testing. Allele origin: germline.
Comment: The p.I873T variant (also known as c.2618T>C), located in coding exon 10 of the BRCA2 gene, results from a T to C substitution at nucleotide position 2618. The isoleucine at codon 873 is replaced by threonine, an amino acid with similar properties. This amino acid position is conserved. In addition, this alteration is predicted to be tolerated by in silico analysis. Based on the available evidence, the clinical significance of this variant remains unclear.